The following is an entry in ClinVar:

NM_015272.5(RPGRIP1L):c.785T>C (p.Ile262Thr)

Gene: RPGRIP1L (RPGRIP1 like; minus strand). Cytogenetic location: 16q12.2.
Variant type: single nucleotide variant.
Coding change: c.785T>C on transcript NM_015272.5 (MANE Select); coding-DNA position 785, T replaced by C.
Protein change: p.Ile262Thr; replaces isoleucine 262 with threonine.
Molecular consequence: missense variant.
Genome position (GRCh38, 1-based): chr16:53,675,114, A>G on the plus strand (T>C on the coding strand, the complement: RPGRIP1L is on the minus strand). VCF-style: chr16-53675114-A-G. GRCh37 (hg19) VCF-style: chr16-53709026-A-G.
Other names: c.785T>C, p.Ile262Thr (NM_001127897.4, NM_001308334.3, NM_001330538.2); short protein forms I262T.
Identifiers: ClinVar variation 3345473 (VCV003345473.1).

ClinVar aggregate classification (germline): Uncertain significance (0 of 4 stars; one submission).

Conditions:
RPGRIP1L-related disorder. Also called: RPGRIP1L-related condition; RPGRIP1L-related disorders. Identifiers: MedGen CN239416.

Submission:

PreventionGenetics, part of Exact Sciences
Classification: Uncertain significance for RPGRIP1L-related condition. Last evaluated: 2024-09-06. Review status: no assertion criteria provided. Collection method: clinical testing. Allele origin: germline.
Comment: The RPGRIP1L c.785T>C variant is predicted to result in the amino acid substitution p.Ile262Thr. To our knowledge, this variant has not been reported in the literature or in a large population database, indicating this variant is rare. At this time, the clinical significance of this variant is uncertain due to the absence of conclusive functional and genetic evidence.